The following is an entry in ClinVar:

NM_001371279.1(REEP1):c.319C>G (p.Leu107Val)

Gene: REEP1 (receptor accessory protein 1; minus strand). Cytogenetic location: 2p11.2.
Variant type: single nucleotide variant.
Coding change: c.319C>G on transcript NM_001371279.1 (MANE Select); coding-DNA position 319, C replaced by G.
Protein change: p.Leu107Val; replaces leucine 107 with valine.
Molecular consequence: missense variant. On other transcripts: intron variant (1).
Genome position (GRCh38, 1-based): chr2:86,252,055, G>C on the plus strand (C>G on the coding strand, the complement: REEP1 is on the minus strand). VCF-style: chr2-86252055-G-C. GRCh37 (hg19) VCF-style: chr2-86479178-G-C.
Other names: c.340C>G, p.Leu114Val (NM_001164730.2); c.238C>G, p.Leu80Val (NM_001164731.2); c.319C>G, p.Leu107Val (NM_001371280.1, NM_001410855.1, NM_001410856.1 and 1 more transcripts); c.182+11910C>G (NM_001164732.2); short protein forms L80V, L107V, L114V.
Identifiers: ClinVar variation 4722340 (VCV004722340.1).

ClinVar aggregate classification (germline): Uncertain significance (1 of 4 stars; one submission).

Conditions:
Hereditary spastic paraplegia 31. Also called: SPASTIC PARAPLEGIA 31, AUTOSOMAL DOMINANT. Identifiers: Orphanet 101011, MedGen C1853247, MONDO:0012453, OMIM 610250.

Submission:

Labcorp Genetics (formerly Invitae), Labcorp
Classification: Uncertain significance for Hereditary spastic paraplegia 31. Last evaluated: 2025-09-11. Review status: criteria provided, single submitter. Criteria: Invitae Variant Classification Sherloc (09022015). Collection method: clinical testing. Allele origin: germline.
Comment: This sequence change replaces leucine, which is neutral and non-polar, with valine, which is neutral and non-polar, at codon 107 of the REEP1 protein (p.Leu107Val). This variant is not present in population databases (gnomAD no frequency). This variant has not been reported in the literature in individuals affected with REEP1-related conditions. An algorithm developed to predict the effect of missense changes on protein structure and function (PolyPhen-2) suggests that this variant is likely to be tolerated. In summary, the available evidence is currently insufficient to determine the role of this variant in disease. Therefore, it has been classified as a Variant of Uncertain Significance.